The following is an entry in ClinVar:

NM_020822.3(KCNT1):c.1885A>G (p.Lys629Glu)

Gene: KCNT1 (potassium sodium-activated channel subfamily T member 1; plus strand). Cytogenetic location: 9q34.3.
Variant type: single nucleotide variant.
Coding change: c.1885A>G on transcript NM_020822.3 (MANE Select); coding-DNA position 1885, A replaced by G.
Protein change: p.Lys629Glu; replaces lysine 629 with glutamic acid.
Molecular consequence: missense variant.
Genome position (GRCh38, 1-based): chr9:135,770,972, A>G. VCF-style: chr9-135770972-A-G. GRCh37 (hg19) VCF-style: chr9-138662818-A-G.
Other names: c.1750A>G, p.Lys584Glu (NM_001272003.2); short protein forms K629E, K584E.
Identifiers: ClinVar variation 388032 (VCV000388032.13), dbSNP rs1057522978, ClinGen allele CA16606397.

ClinVar aggregate classification (germline): Pathogenic/Likely pathogenic. Review status: criteria provided, multiple submitters, no conflicts (2 of 4 stars). 3 submissions from 3 submitters: Pathogenic (2); Likely pathogenic (1). Last evaluated 2022-10-10.

Conditions:
Developmental and epileptic encephalopathy, 14 (DEE14). Also called: Early infantile epileptic encephalopathy 14. Identifiers: Orphanet 293181, MedGen C3554195, MONDO:0013989, OMIM 614959.
Autosomal dominant nocturnal frontal lobe epilepsy 5. Also called: KCNT1-Related Epilepsy; CILIARY DYSKINESIA, PRIMARY, 28, WITHOUT SITUS INVERSUS; CILIARY DYSKINESIA, PRIMARY, 28, WITH SITUS INVERSUS; Epilepsy, nocturnal frontal lobe, 5. Identifiers: Orphanet 98784, MedGen C3554306, MONDO:0014002, OMIM 615005.

Submissions (3):

GeneDx
Classification: Pathogenic. Last evaluated: 2022-10-10. Review status: criteria provided, single submitter. Criteria: GeneDx Variant Classification Process June 2021. Collection method: clinical testing. Allele origin: germline. Affected: yes.
Comment: Not observed at significant frequency in large population cohorts (gnomAD); In silico analysis supports that this missense variant has a deleterious effect on protein structure/function; This variant is associated with the following publications: (PMID: 32167590, 35363364, 27779742)

Labcorp Genetics (formerly Invitae), Labcorp
Classification: Pathogenic for Autosomal dominant nocturnal frontal lobe epilepsy 5; Developmental and epileptic encephalopathy, 14. Last evaluated: 2022-08-10. Review status: criteria provided, single submitter. Criteria: Invitae Variant Classification Sherloc (09022015). Collection method: clinical testing. Allele origin: germline.
Comment: For these reasons, this variant has been classified as Pathogenic. This variant disrupts the p.Lys629 amino acid residue in KCNT1. Other variant(s) that disrupt this residue have been determined to be pathogenic (PMID: 26369628). This suggests that this residue is clinically significant, and that variants that disrupt this residue are likely to be disease-causing. Algorithms developed to predict the effect of sequence changes on RNA splicing suggest that this variant may disrupt the consensus splice site. Advanced modeling of protein sequence and biophysical properties (such as structural, functional, and spatial information, amino acid conservation, physicochemical variation, residue mobility, and thermodynamic stability) performed at Invitae indicates that this missense variant is expected to disrupt KCNT1 protein function. ClinVar contains an entry for this variant (Variation ID: 388032). This missense change has been observed in individual(s) with KCNT1-related conditions (PMID: 27779742; Invitae). In at least one individual the variant was observed to be de novo. This variant is not present in population databases (gnomAD no frequency). This sequence change replaces lysine, which is basic and polar, with glutamic acid, which is acidic and polar, at codon 629 of the KCNT1 protein (p.Lys629Glu).

Equipe Genetique des Anomalies du Developpement, Université de Bourgogne
Classification: Likely pathogenic for Developmental and epileptic encephalopathy, 14. Last evaluated: 2021-10-18. Review status: criteria provided, single submitter. Criteria: ACMG Guidelines, 2015. Collection method: clinical testing. Allele origin: de novo. Affected: yes.

Literature cited by the submitters: PubMed 26369628 (cited by Labcorp Genetics (formerly Invitae), Labcorp); PubMed 27779742 (cited by Labcorp Genetics (formerly Invitae), Labcorp).